The following is an entry in ClinVar:

NM_001080414.4(CCDC88C):c.3445del (p.Glu1149fs)

Gene: CCDC88C (coiled-coil and HOOK domain protein 88C; minus strand). Cytogenetic location: 14q32.11.
Variant type: Deletion.
Coding change: c.3445del on transcript NM_001080414.4 (MANE Select); coding-DNA position 3445, one base deleted (G; older notation c.3445delG).
Protein change: p.Glu1149fs; shifts the reading frame from glutamic acid 1149.
Molecular consequence: frameshift variant. On other transcripts: non-coding transcript variant (2).
Genome position (GRCh38, 1-based): chr14:91,303,891, C deleted on the plus strand (G on the coding strand, the reverse complement: CCDC88C is on the minus strand); the first of 2 consecutive C bases (chr14:91,303,891-91,303,892); deleting either gives the same sequence. VCF-style (leftmost placement, unchanged base first): chr14-91303890-TC-T. GRCh37 (hg19) VCF-style: chr14-91770234-TC-T.
Other names: short protein forms E1149fs.
Identifiers: ClinVar variation 4880606 (VCV004880606.2).

ClinVar aggregate classification (germline): Likely pathogenic (1 of 4 stars; one submission).

Conditions:
Hydrocephalus, nonsyndromic, autosomal recessive 1 (HYC1). Also called: Hydrocephalus, nonsyndromic, autosomal recessive; Congenital hydrocephalus 1. Identifiers: Orphanet 2185, MedGen C3887608, MONDO:0009360, OMIM 236600.

Submission:

Dasa
Classification: Likely pathogenic for Hydrocephalus, nonsyndromic, autosomal recessive 1. Last evaluated: 2025-07-21. Review status: criteria provided, single submitter. Criteria: DASA Assertion Criteria. Collection method: clinical testing. Allele origin: germline.
Comment: NM_001080414.4(CCDC88C):c.3445del (p.Glu1149Argfs*47) is a frameshift variant in CCDC88C predicted to alter the reading frame and introduce a premature termination codon and is predicted to result in an absent or altered protein product. Loss of function is an established disease mechanism for CCDC88C-associated disorders. Also, this variant is absent from population databases. Based on the currently available evidence, this variant is classified as likely pathogenic.